The following is an entry in ClinVar:

NM_000059.4(BRCA2):c.5635G>A (p.Glu1879Lys)

Gene: BRCA2 (BRCA2 DNA repair associated; plus strand). Cytogenetic location: 13q13.1.
Variant type: single nucleotide variant.
Coding change: c.5635G>A on transcript NM_000059.4 (MANE Select); coding-DNA position 5635, G replaced by A.
Protein change: p.Glu1879Lys; replaces glutamic acid 1879 with lysine.
Molecular consequence: missense variant.
Genome position (GRCh38, 1-based): chr13:32,339,990, G>A. VCF-style: chr13-32339990-G-A. GRCh37 (hg19) VCF-style: chr13-32914127-G-A.
Other names: p.E1879K:GAG>AAG; 5863G>A; short protein forms E1879K.
Identifiers: ClinVar variation 51895 (VCV000051895.56), dbSNP rs55996097, ClinGen allele CA022780.

ClinVar aggregate classification (germline): Conflicting classifications of pathogenicity. Review status: criteria provided, conflicting classifications (1 of 4 stars). 25 submissions from 24 submitters: Uncertain significance (1); Benign (5); Likely benign (11). 8 of the submissions do not count toward it. Last evaluated 2026-02-01.

Conditions:
BRCA2-related disorder. Also called: BRCA2-related condition; BRCA2-related disorders. Identifiers: MedGen CN239275.
Hereditary cancer-predisposing syndrome. Also called: Hereditary Cancer Syndrome; Tumor predisposition; Neoplastic Syndromes, Hereditary; Hereditary neoplastic syndrome. Identifiers: Orphanet 140162, MedGen C0027672, MeSH D009386, MONDO:0015356.
Hereditary breast ovarian cancer syndrome. Also called: Breast and ovarian cancer; BRCA1- and BRCA2-Associated Hereditary Breast and Ovarian Cancer; Hereditary breast and ovarian cancer; Hereditary breast and ovarian cancer syndrome (HBOC); Hereditary breast and ovarian cancer syndrome; Hereditary breast and/or ovarian cancer syndrome. Identifiers: Orphanet 145, MedGen C0677776, MeSH D061325, MONDO:0003582. Disease mechanism: loss of function.
Fanconi anemia complementation group D1. Also called: BRCA2-Related Fanconi Anemia. Identifiers: Orphanet 319462, MedGen C1838457, MONDO:0011584, OMIM 605724.
Breast-ovarian cancer, familial, susceptibility to, 2 (BROVCA2). Also called: BRCA2 Hereditary Breast and Ovarian Cancer. Identifiers: Orphanet 145, MedGen C2675520, MONDO:0012933, OMIM 612555. Disease mechanism: loss of function.

Allele frequency attached by ClinVar (database versions not stated): gnomAD exomes 0.00009 and 0.00013; 1000 Genomes Project 30x 0.00016; 1000 Genomes Project 0.00020; ExAC 0.00022; ESP Exome Variant Server 0.00031; gnomAD 0.00007 and 0.00008; TOPMed 0.00006.
gnomAD v4.1: 144 of 1,612,052 alleles (0.0089%); highest among the groups gnomAD compares: South Asian, 0.014%; 1 homozygote.

Submissions 1 to 16 of 25:

Labcorp Genetics (formerly Invitae), Labcorp
Classification: Benign for Hereditary breast ovarian cancer syndrome. Last evaluated: 2026-02-01. Review status: criteria provided, single submitter. Criteria: Invitae Variant Classification Sherloc (09022015). Collection method: clinical testing. Allele origin: germline.

Quest Diagnostics Nichols Institute San Juan Capistrano
Classification: Benign. Last evaluated: 2025-06-10. Review status: criteria provided, single submitter. Criteria: Quest Diagnostics criteria. Collection method: clinical testing. Allele origin: unknown.

CeGaT Center for Human Genetics Tuebingen
Classification: Likely benign. Last evaluated: 2025-04-01. Review status: criteria provided, single submitter. Criteria: CeGaT Center For Human Genetics Tuebingen Variant Classification Criteria Version 2. Collection method: clinical testing. Allele origin: germline. Affected: yes. Observed: 2 variant alleles.
Comment: BRCA2: BP1, BP4

Center for Genomic Medicine, Rigshospitalet, Copenhagen University Hospital
Classification: Benign. Last evaluated: 2025-03-04. Review status: criteria provided, single submitter. Criteria: ACMG Guidelines, 2015. Collection method: clinical testing. Allele origin: germline.

Blueprint Genetics
Classification: Likely benign. Last evaluated: 2023-11-30. Review status: criteria provided, single submitter. Criteria: ACMG Guidelines, 2015. Collection method: clinical testing. Allele origin: germline.

University of Washington Department of Laboratory Medicine, University of Washington
Classification: Likely benign for Hereditary cancer-predisposing syndrome. Last evaluated: 2023-03-23. Review status: criteria provided, single submitter. Criteria: Dines et al. (Genet Med. 2020). Collection method: curation. Allele origin: germline.
Comment: Missense variant in a coldspot region where missense variants are very unlikely to be pathogenic (PMID:31911673).

BRCA2 exon 11 coldspot. Reclassification based on statistical prior probability.

Institute for Clinical Genetics, University Hospital TU Dresden, University Hospital TU Dresden
Classification: Uncertain significance. Last evaluated: 2021-11-03. Review status: criteria provided, single submitter. Criteria: ACMG Guidelines, 2015. Collection method: clinical testing. Allele origin: germline.

Sema4
Classification: Likely benign for Hereditary cancer-predisposing syndrome. Last evaluated: 2021-05-06. Review status: criteria provided, single submitter. Criteria: Sema4 Curation Guidelines. Collection method: curation. Allele origin: germline.

GeneDx
Classification: Likely benign. Last evaluated: 2020-03-10. Review status: criteria provided, single submitter. Criteria: GeneDx Variant Classification (06012015). Collection method: clinical testing. Allele origin: germline. Affected: yes.
Comment: This variant is associated with the following publications: (PMID: 32426482, 27062684, 28222693, 28263838, 18092194, 24504028, 26689913, 23555315, 20104584, 18627636, 22811390, 16847550, 16760289)

Women's Health and Genetics/Laboratory Corporation of America, LabCorp
Classification: Benign. Last evaluated: 2020-02-16. Review status: criteria provided, single submitter. Criteria: LabCorp Variant Classification Summary - May 2015. Collection method: clinical testing. Allele origin: germline. Inheritance: Autosomal dominant inheritance.
Comment: Variant summary: BRCA2 c.5635G>A (p.Glu1879Lys) results in a conservative amino acid change in the encoded protein sequence. Five of five in-silico tools predict a benign effect of the variant on protein function. The variant allele was found at a frequency of 0.00013 in 248816 control chromosomes, predominantly at a frequency of 0.00024 within the Non-Finnish European subpopulation in the gnomAD database. This frequency is not significantly higher than expected for a pathogenic variant in BRCA2 causing Hereditary Breast and Ovarian Cancer allowing no conclusion about variant significance. c.5635G>A has been reported in the literature in sequencing studies of individuals affected with Hereditary Breast and Ovarian Cancer, contralateral breast cancer, and other cancerous settings ((example, Borg_2010, Capalbo_2006, Capanu_2011, Cunningham_2014, Giannini_2006, Haiman_2013, Pennington_2013, Seymour_2008, Thirthagiri_2008, Azzolini_2016, Lai_2017, Zuntini_2018). The variant was reported as not co-segregating with disease in at-least one of these reports (Zuntini_2018). Therefore, these report(s) do not provide unequivocal conclusions about association of the variant with Hereditary Breast and Ovarian Cancer. Co-occurrences with other pathogenic variants in the BRCA2 and BRCA1 genes have been reported in the UMD and the BIC databases respectively in addition to another co-occurrence in the MSH6 gene tested at our laboratory (BRCA2 c.8463dup, p.Ile2822fs; BRCA1 c.5263_5264insC, p.Ser1755?fs, MSH6 c.3733_3739dupTTTTCAA , p.Thr1247fsX30), providing additional supporting evidence for a benign role. To our knowledge, no experimental evidence demonstrating an impact on protein function has been reported. Eight clinical diagnostic laboratories have submitted clinical-significance assessments for this variant to ClinVar after 2014 without evidence for independent evaluation. Some of these submitters cite overlapping evidence utilized in the context of this evaluation. All laboratories classified the variant as benign (n=2)/likely benign (n=6). Based on the evidence outlined above, the variant was re-classified from likely benign to benign.

Genetic Services Laboratory, University of Chicago
Classification: Likely benign. Last evaluated: 2019-12-27. Review status: criteria provided, single submitter. Criteria: ACMG Guidelines, 2015. Collection method: clinical testing. Allele origin: germline. Affected: no.

Ambry Genetics
Classification: Likely benign for Hereditary cancer-predisposing syndrome. Last evaluated: 2018-12-28. Review status: criteria provided, single submitter. Criteria: Ambry Variant Classification Scheme 2023. Collection method: clinical testing. Allele origin: germline.

ARUP Laboratories, Molecular Genetics and Genomics, ARUP Laboratories
Classification: Likely benign. Last evaluated: 2017-09-06. Review status: criteria provided, single submitter. Criteria: ARUP Molecular Germline Variant Investigation Process. Collection method: clinical testing. Allele origin: germline.
Comment: The p.Glu1879Lys variant has been reported in individuals with breast and/or ovarian cancer; however, inheritance and specific clinical information were not reported (Borg 2010, Pennington 2012, and Thirthagiri 2008). The p.Glu1879Lys variant is listed in the Genome Aggregation Database (gnomAD) browser with an allele frequency of 0.023% in the South Asian population (identified in 7 out of 29,948 chromosomes; 1 homozygote), and is classified as likely benign/benign in ClinVar (Variant ID: 51895). The glutamic acid at codon 1,879 is moderately conserved considering 12 species (Alamut software v2.9.0), and it is a lysine in dogs, suggesting that this change may be evolutionary tolerated. Computational analyses predict that this variant does not affect the BRCA2 protein structure/function (GV/GD: C0, SIFT: tolerated, PolyPhen2: benign, MutationTaster: polymorphism). Based on the available evidence, the p.Glu1879Lys variant is classified as likely benign.

Illumina Laboratory Services, Illumina
Classification: Likely benign for Fanconi anemia complementation group D1. Last evaluated: 2017-04-27. Review status: criteria provided, single submitter. Criteria: ICSL Variant Classification Criteria 13 December 2019. Collection method: clinical testing. Allele origin: germline.
Comment: This variant was observed as part of a predisposition screen in an ostensibly healthy population. A literature search was performed for the gene, cDNA change, and amino acid change (where applicable). No publications were found based on this search. Allele frequency data from public databases allowed determination this variant is unlikely to cause disease. Therefore, this variant is classified as likely benign.

Illumina Laboratory Services, Illumina
Classification: Likely benign for Breast-ovarian cancer, familial, susceptibility to, 2. Last evaluated: 2017-04-27. Review status: criteria provided, single submitter. Criteria: ICSL Variant Classification Criteria 13 December 2019. Collection method: clinical testing. Allele origin: germline.
Comment: This variant was observed as part of a predisposition screen in an ostensibly healthy population. A literature search was performed for the gene, cDNA change, and amino acid change (where applicable). Publications were found based on this search. The evidence from the literature, in combination with allele frequency data from public databases where available, was sufficient to determine this variant is unlikely to cause disease. Therefore, this variant is classified as likely benign.

Color Diagnostics, LLC DBA Color Health
Classification: Benign for Hereditary cancer-predisposing syndrome. Last evaluated: 2016-09-08. Review status: criteria provided, single submitter. Criteria: ACMG Guidelines, 2015. Collection method: clinical testing. Allele origin: germline.